The following is an entry in ClinVar:

ClinVar aggregate classification (germline): Uncertain significance (1 of 4 stars; one submission).

Conditions:
Immunodeficiency, common variable, 10. Also called: IMMUNODEFICIENCY, COMMON VARIABLE, WITH CENTRAL ADRENAL INSUFFICIENCY; DEFICIT IN ANTERIOR PITUITARY FUNCTION AND VARIABLE IMMUNODEFICIENCY. Identifiers: MedGen C3809991, MONDO:0014260, OMIM 615577.

Submission:

Labcorp Genetics (formerly Invitae), Labcorp
Classification: Uncertain significance for Immunodeficiency, common variable, 10. Last evaluated: 2024-02-08. Review status: criteria provided, single submitter. Criteria: Invitae Variant Classification Sherloc (09022015). Collection method: clinical testing. Allele origin: germline.
Comment: This sequence change replaces threonine, which is neutral and polar, with alanine, which is neutral and non-polar, at codon 34 of the NFKB2 protein (p.Thr34Ala). This variant is not present in population databases (gnomAD no frequency). This variant has not been reported in the literature in individuals affected with NFKB2-related conditions. An algorithm developed to predict the effect of missense changes on protein structure and function (PolyPhen-2) suggests that this variant is likely to be tolerated. In summary, the available evidence is currently insufficient to determine the role of this variant in disease. Therefore, it has been classified as a Variant of Uncertain Significance.

NM_001322934.2(NFKB2):c.100A>G (p.Thr34Ala)

Gene: NFKB2 (nuclear factor kappa B subunit 2; plus strand). Cytogenetic location: 10q24.32.
Variant type: single nucleotide variant.
Coding change: c.100A>G on transcript NM_001322934.2 (MANE Select); coding-DNA position 100, A replaced by G.
Protein change: p.Thr34Ala; replaces threonine 34 with alanine.
Molecular consequence: missense variant.
Genome position (GRCh38, 1-based): chr10:102,396,331, A>G. VCF-style: chr10-102396331-A-G. GRCh37 (hg19) VCF-style: chr10-104156088-A-G.
Other names: c.100A>G, p.Thr34Ala (NM_001077494.3, NM_001261403.3, NM_001288724.1 and 2 more transcripts); short protein forms T34A.
Identifiers: ClinVar variation 3692850 (VCV003692850.2).